The following is an entry in ClinVar:

NM_017534.6(MYH2):c.92C>T (p.Pro31Leu)

Genes: MYHAS (myosin heavy chain gene cluster antisense RNA; plus strand), MYH2 (myosin heavy chain 2; minus strand). Cytogenetic location: 17p13.1.
Variant type: single nucleotide variant.
Coding change: c.92C>T on transcript NM_017534.6 (MANE Select); coding-DNA position 92, C replaced by T.
Protein change: p.Pro31Leu; replaces proline 31 with leucine.
Molecular consequence: missense variant.
Genome position (GRCh38, 1-based): chr17:10,547,829, G>A on the plus strand (C>T on the coding strand, the complement: MYH2 is on the minus strand). VCF-style: chr17-10547829-G-A. GRCh37 (hg19) VCF-style: chr17-10451146-G-A.
Other names: c.92C>T, p.Pro31Leu (NM_001100112.2); short protein forms P31L.
Identifiers: ClinVar variation 2706127 (VCV002706127.3), dbSNP rs2508480428, ClinGen allele CA398174108.

ClinVar aggregate classification (germline): Uncertain significance (1 of 4 stars; one submission).

Conditions:
Myopathy, proximal, and ophthalmoplegia (CMYO6). Also called: MYOPATHY WITH CONGENITAL JOINT CONTRACTURES, OPHTHALMOPLEGIA, AND RIMMED VACUOLES; INCLUSION BODY MYOPATHY 3, AUTOSOMAL DOMINANT; CONGENITAL MYOPATHY 6 WITH OPHTHALMOPLEGIA. Identifiers: Orphanet 363677, Orphanet 79091, MedGen C1854106, MONDO:0011577, OMIM 605637.

Submission:

Labcorp Genetics (formerly Invitae), Labcorp
Classification: Uncertain significance for Myopathy, proximal, and ophthalmoplegia. Last evaluated: 2023-12-28. Review status: criteria provided, single submitter. Criteria: Invitae Variant Classification Sherloc (09022015). Collection method: clinical testing. Allele origin: germline.
Comment: This sequence change replaces proline, which is neutral and non-polar, with leucine, which is neutral and non-polar, at codon 31 of the MYH2 protein (p.Pro31Leu). This variant is not present in population databases (gnomAD no frequency). This variant has not been reported in the literature in individuals affected with MYH2-related conditions. Advanced modeling of protein sequence and biophysical properties (such as structural, functional, and spatial information, amino acid conservation, physicochemical variation, residue mobility, and thermodynamic stability) has been performed at Invitae for this missense variant, however the output from this modeling did not meet the statistical confidence thresholds required to predict the impact of this variant on MYH2 protein function. In summary, the available evidence is currently insufficient to determine the role of this variant in disease. Therefore, it has been classified as a Variant of Uncertain Significance.